The following is an entry in ClinVar:

NM_000256.3(MYBPC3):c.2149-4C>A

Gene: MYBPC3 (myosin binding protein C3; minus strand). Cytogenetic location: 11p11.2.
Variant type: single nucleotide variant.
Coding change: c.2149-4C>A on transcript NM_000256.3 (MANE Select); 4 bases into the intron before coding-DNA position 2149, C replaced by A.
Molecular consequence: intron variant.
Genome position (GRCh38, 1-based): chr11:47,338,683, G>T on the plus strand (C>A on the coding strand, the complement: MYBPC3 is on the minus strand). VCF-style: chr11-47338683-G-T. GRCh37 (hg19) VCF-style: chr11-47360234-G-T.
Identifiers: ClinVar variation 3387122 (VCV003387122.1).

ClinVar aggregate classification (germline): Likely benign (1 of 4 stars; one submission).

Conditions:
Hypertrophic cardiomyopathy. Also called: HYPERTROPHIC MYOCARDIOPATHY. Identifiers: Orphanet 217569, MedGen C0007194, MeSH D002312, MONDO:0005045, HP:0001639.

Submission:

All of Us Research Program, National Institutes of Health
Classification: Likely benign for Hypertrophic cardiomyopathy. Last evaluated: 2024-05-14. Review status: criteria provided, single submitter. Criteria: ACMG Guidelines, 2015. Collection method: clinical testing. Allele origin: germline. Inheritance: Autosomal dominant inheritance. Observed: 1 variant allele, 1 heterozygote.
Comment: This study involves interpretation of variants in research participants for the purpose of population health screening. Participant phenotype was not available at the time of variant classification. Additional details can be found in publication PMID: 35346344, PMCID: PMC8962531